The following is an entry in ClinVar:

ClinVar aggregate classification (germline): Likely benign (1 of 4 stars; one submission).

Allele frequency attached by ClinVar (database versions not stated): gnomAD exomes below 0.00001; ExAC 0.00017.
gnomAD v4.1: 3 of 954,439 alleles (0.00031%); highest among the groups gnomAD compares: Non-Finnish European, 0.00029%; no homozygotes.

Submission:

CeGaT Center for Human Genetics Tuebingen
Classification: Likely benign. Last evaluated: 2024-04-01. Review status: criteria provided, single submitter. Criteria: CeGaT Center For Human Genetics Tuebingen Variant Classification Criteria Version 2. Collection method: clinical testing. Allele origin: germline. Affected: yes. Observed: 1 variant allele.
Comment: SUPT20HL1: BS2

NM_001136234.3(SUPT20HL1):c.1525G>C (p.Ala509Pro)

Gene: SUPT20HL1 (SUPT20H like 1; plus strand). Cytogenetic location: Xp22.11.
Variant type: single nucleotide variant.
Coding change: c.1525G>C on transcript NM_001136234.3 (MANE Select); coding-DNA position 1525, G replaced by C.
Protein change: p.Ala509Pro; replaces alanine 509 with proline.
Molecular consequence: missense variant.
Genome position (GRCh38, 1-based): chrX:24,364,285, G>C. VCF-style: chrX-24364285-G-C. GRCh37 (hg19) VCF-style: chrX-24382402-G-C.
Other names: short protein forms A509P.
Identifiers: ClinVar variation 3234130 (VCV003234130.20), dbSNP rs747610071, ClinGen allele CA10372007.